The following is an entry in ClinVar:

NM_016953.4(PDE11A):c.870C>T (p.Val290=)

Gene: PDE11A (phosphodiesterase 11A; minus strand). Cytogenetic location: 2q31.2.
Variant type: single nucleotide variant.
Coding change: c.870C>T on transcript NM_016953.4 (MANE Select); coding-DNA position 870, C replaced by T.
Protein change: p.Val290=; no amino-acid change (valine 290 retained).
Molecular consequence: synonymous variant. On other transcripts: intron variant (1).
Genome position (GRCh38, 1-based): chr2:178,071,568, G>A on the plus strand (C>T on the coding strand, the complement: PDE11A is on the minus strand). VCF-style: chr2-178071568-G-A. GRCh37 (hg19) VCF-style: chr2-178936295-G-A.
Other names: c.162+32734C>T (NM_001077197.2).
Identifiers: ClinVar variation 746374 (VCV000746374.5), dbSNP rs752359803, ClinGen allele CA1982181.

ClinVar aggregate classification (germline): Likely benign. Review status: criteria provided, single submitter (1 of 4 stars). 2 submissions from 2 submitters: Likely benign (1). 1 of the submissions does not count toward it. Last evaluated 2018-08-13.

Conditions:
PDE11A-related disorder. Also called: PDE11A-related condition.

Allele frequency attached by ClinVar (database versions not stated): ExAC 0.00002; gnomAD 0.00003 and 0.00004; gnomAD exomes 0.00003 and 0.00007; TOPMed 0.00005.
gnomAD v4.1: 43 of 1,612,694 alleles (0.0027%); highest among the groups gnomAD compares: Admixed American, 0.063%; no homozygotes.

Submissions (2):

Labcorp Genetics (formerly Invitae), Labcorp
Classification: Likely benign. Last evaluated: 2018-08-13. Review status: criteria provided, single submitter. Criteria: Invitae Variant Classification Sherloc (09022015). Collection method: clinical testing. Allele origin: germline.

PreventionGenetics, part of Exact Sciences
Classification: Likely benign for PDE11A-related condition. Last evaluated: 2019-07-08. Review status: no assertion criteria provided. Collection method: clinical testing. Allele origin: germline. Not counted in ClinVar's aggregate classification.
Comment: This variant is classified as likely benign based on ACMG/AMP sequence variant interpretation guidelines (Richards et al. 2015 PMID: 25741868, with internal and published modifications).